The following is an entry in ClinVar:

NM_018699.4(PRDM5):c.898T>C (p.Cys300Arg)

Gene: PRDM5 (PR/SET domain 5; minus strand). Cytogenetic location: 4q27.
Variant type: single nucleotide variant.
Coding change: c.898T>C on transcript NM_018699.4 (MANE Select); coding-DNA position 898, T replaced by C.
Protein change: p.Cys300Arg; replaces cysteine 300 with arginine.
Molecular consequence: missense variant.
Genome position (GRCh38, 1-based): chr4:120,811,417, A>G on the plus strand (T>C on the coding strand, the complement: PRDM5 is on the minus strand). VCF-style: chr4-120811417-A-G. GRCh37 (hg19) VCF-style: chr4-121732572-A-G.
Other names: c.898T>C (NM_018699.2, NM_018699.3); c.805T>C, p.Cys269Arg (NM_001300823.2, NM_001300824.2, NM_001379106.1); c.898T>C, p.Cys300Arg (NM_001379104.1); short protein forms C300R, C269R.
Identifiers: ClinVar variation 2178471 (VCV002178471.7), dbSNP rs777726075, ClinGen allele CA3061224.

ClinVar aggregate classification (germline): Uncertain significance. Review status: criteria provided, multiple submitters, no conflicts (2 of 4 stars). 5 submissions from 5 submitters: Uncertain significance (5). Last evaluated 2025-10-07.

Conditions:
PRDM5-related disorder. Also called: PRDM5-related condition.
Cardiovascular phenotype. Identifiers: MedGen CN230736.
Brittle cornea syndrome 2 (BCS2). Identifiers: Orphanet 90354, MedGen C3280011, MONDO:0013605, OMIM 614170.

Allele frequency attached by ClinVar (database versions not stated): TOPMed 0.00002; gnomAD exomes 0.00003; gnomAD 0.00004; 1000 Genomes Project 30x 0.00016.
gnomAD v4.1: 41 of 1,602,744 alleles (0.0026%); highest among the groups gnomAD compares: Non-Finnish European, 0.0032%; no homozygotes.

Submissions (5):

Women's Health and Genetics/Laboratory Corporation of America, LabCorp
Classification: Uncertain significance. Last evaluated: 2025-10-07. Review status: criteria provided, single submitter. Criteria: LabCorp Variant Classification Summary - May 2015. Collection method: clinical testing. Allele origin: germline.
Comment: Variant summary: PRDM5 c.898T>C (p.Cys300Arg) results in a non-conservative amino acid change in the encoded protein sequence. Algorithms developed to predict the effect of missense changes on protein structure and function all suggest that this variant is likely to be disruptive. The variant allele was found at a frequency of 3.2e-05 in 249876 control chromosomes. The available data on variant occurrences in the general population are insufficient to allow any conclusion about variant significance. To our knowledge, no occurrence of c.898T>C in individuals affected with PRDM5-related conditions and no experimental evidence demonstrating its impact on protein function have been reported. ClinVar contains an entry for this variant (Variation ID: 2178471). Based on the evidence outlined above, the variant was classified as uncertain significance.

PreventionGenetics, part of Exact Sciences
Classification: Uncertain significance for PRDM5-related condition. Last evaluated: 2025-07-22. Review status: criteria provided, single submitter. Criteria: ACMG Guidelines, 2015. Collection method: clinical testing. Allele origin: germline.
Comment: The PRDM5 c.898T>C variant is predicted to result in the amino acid substitution p.Cys300Arg. To our knowledge, this variant has not been reported in the literature. This variant is reported in 0.0062% of alleles in individuals of European (Non-Finnish) descent in gnomAD. At this time, the clinical significance of this variant is uncertain due to the absence of conclusive functional and genetic evidence.

Ambry Genetics
Classification: Uncertain significance for Cardiovascular phenotype. Last evaluated: 2025-07-09. Review status: criteria provided, single submitter. Criteria: Ambry Variant Classification Scheme 2023. Collection method: clinical testing. Allele origin: germline.
Comment: The p.C300R variant (also known as c.898T>C), located in coding exon 8 of the PRDM5 gene, results from a T to C substitution at nucleotide position 898. The cysteine at codon 300 is replaced by arginine, an amino acid with highly dissimilar properties. This amino acid position is conserved. In addition, this alteration is predicted to be deleterious by in silico analysis. Since supporting evidence is limited at this time, the clinical significance of this alteration remains unclear.

Baylor Genetics
Classification: Uncertain significance for Brittle cornea syndrome 2. Last evaluated: 2022-11-06. Review status: criteria provided, single submitter. Criteria: ACMG Guidelines, 2015. Collection method: clinical testing. Allele origin: unknown.

Labcorp Genetics (formerly Invitae), Labcorp
Classification: Uncertain significance. Last evaluated: 2022-06-25. Review status: criteria provided, single submitter. Criteria: Invitae Variant Classification Sherloc (09022015). Collection method: clinical testing. Allele origin: germline.
Comment: This sequence change replaces cysteine, which is neutral and slightly polar, with arginine, which is basic and polar, at codon 300 of the PRDM5 protein (p.Cys300Arg). This variant is present in population databases (rs777726075, gnomAD 0.007%). This variant has not been reported in the literature in individuals affected with PRDM5-related conditions. Algorithms developed to predict the effect of missense changes on protein structure and function (SIFT, PolyPhen-2, Align-GVGD) all suggest that this variant is likely to be disruptive. In summary, the available evidence is currently insufficient to determine the role of this variant in disease. Therefore, it has been classified as a Variant of Uncertain Significance.